The following is an entry in ClinVar:

ClinVar aggregate classification (germline): Conflicting classifications of pathogenicity. Review status: criteria provided, conflicting classifications (1 of 4 stars). 20 submissions from 20 submitters: Uncertain significance (2); Benign (6); Likely benign (5). 7 of the submissions do not count toward it. Last evaluated 2026-01-18.

Conditions:
Breast and/or ovarian cancer. Identifiers: MedGen CN221562.
Hereditary cancer-predisposing syndrome. Also called: Hereditary Cancer Syndrome; Tumor predisposition; Neoplastic Syndromes, Hereditary; Hereditary neoplastic syndrome. Identifiers: Orphanet 140162, MedGen C0027672, MeSH D009386, MONDO:0015356.
Hereditary breast ovarian cancer syndrome. Also called: Breast and ovarian cancer; BRCA1- and BRCA2-Associated Hereditary Breast and Ovarian Cancer; Hereditary breast and ovarian cancer; Hereditary breast and ovarian cancer syndrome (HBOC); Hereditary breast and ovarian cancer syndrome; Hereditary breast and/or ovarian cancer syndrome. Identifiers: Orphanet 145, MedGen C0677776, MeSH D061325, MONDO:0003582. Disease mechanism: loss of function.
Breast-ovarian cancer, familial, susceptibility to, 2 (BROVCA2). Also called: BRCA2 Hereditary Breast and Ovarian Cancer. Identifiers: Orphanet 145, MedGen C2675520, MONDO:0012933, OMIM 612555. Disease mechanism: loss of function.
Familial cancer of breast. Also called: BREAST CANCER, FAMILIAL; hereditary breast carcinoma; Hereditary breast cancer. Identifiers: Orphanet 227535, MedGen C0346153, MONDO:0016419, OMIM 114480. Disease mechanism: loss of function.

Allele frequency attached by ClinVar (database versions not stated): ExAC 0.00005; gnomAD 0.00005; ESP Exome Variant Server 0.00008; TOPMed 0.00004; gnomAD exomes 0.00002 and 0.00004.
gnomAD v4.1: 30 of 1,614,034 alleles (0.0019%); highest among the groups gnomAD compares: East Asian, 0.016%; no homozygotes.

Submissions (20):

Labcorp Genetics (formerly Invitae), Labcorp
Classification: Likely benign for Hereditary breast ovarian cancer syndrome. Last evaluated: 2026-01-18. Review status: criteria provided, single submitter. Criteria: Invitae Variant Classification Sherloc (09022015). Collection method: clinical testing. Allele origin: germline.

Center for Genomic Medicine, Rigshospitalet, Copenhagen University Hospital
Classification: Benign. Last evaluated: 2025-03-04. Review status: criteria provided, single submitter. Criteria: ACMG Guidelines, 2015. Collection method: clinical testing. Allele origin: germline.

Quest Diagnostics Nichols Institute San Juan Capistrano
Classification: Likely benign. Last evaluated: 2025-02-01. Review status: criteria provided, single submitter. Criteria: Quest Diagnostics criteria. Collection method: clinical testing. Allele origin: unknown.

Molecular Diagnostics Laboratory, Catalan Institute of Oncology
Classification: Benign for Hereditary cancer-predisposing syndrome. Last evaluated: 2025-01-21. Review status: criteria provided, single submitter. Criteria: ClinGen BRCA1BRCA2 ACMG Specifications BRCA2 V1.0.0. Collection method: clinical testing. Allele origin: germline.
Comment: BS1, BS3, BP5_Strong c.8090G>A, located in exon 18 of the BRCA2 gene, is predicted to result in the substitution of Ser by Asn at codon 2697, p.(Ser2697Asn). It was found in 5/17684 alleles,with a filter allele frequency of 0.011% at 95% confidence, within the East Asian population in the gnomAD v2.1 (non-cancer, exome only subset) (BS1). This position is located in a (potentially) clinically important functional domain. SpliceAI algorithm predicts no significant impact on splicing but the Bayesdel no-AF meta-predictor score for this variant (0.258) suggests an intermediate effect on the protein function. This variant has been reported by calibrated studies to affect protein function similar to benign control variants (PMIDs: 33609447, 32444794, 29884841) (BS3). Published clinical data for a multifactorial likelihood analysis (PMID: 31131967) showed a combined LR=0,046 (BP5_Strong). This variant has been reported in ClinVar (6x benign, 9x likely benign, 4x uncertain significance) and LOVD (4x likely benign, 5x uncertain significance) databases, and in BRCA Exchange database as not yet reviewed. Based on currently available information, the variant c.8090G>A should be considered a benign variant.

CeGaT Center for Human Genetics Tuebingen
Classification: Likely benign. Last evaluated: 2024-04-01. Review status: criteria provided, single submitter. Criteria: CeGaT Center For Human Genetics Tuebingen Variant Classification Criteria Version 2. Collection method: clinical testing. Allele origin: germline. Affected: yes. Observed: 2 variant alleles.
Comment: BRCA2: BP1, BP4

Women's Health and Genetics/Laboratory Corporation of America, LabCorp
Classification: Benign. Last evaluated: 2022-01-17. Review status: criteria provided, single submitter. Criteria: LabCorp Variant Classification Summary - May 2015. Collection method: clinical testing. Allele origin: germline.
Comment: Variant summary: BRCA2 c.8090G>A (p.Ser2697Asn) results in a conservative amino acid change in the encoded protein sequence. Four of four in-silico tools predict a benign effect of the variant on protein function. The variant allele was found at a frequency of 4e-05 in 251314 control chromosomes. This frequency is not significantly higher than expected for a pathogenic variant in BRCA2 causing Hereditary Breast And Ovarian Cancer Syndrome (4e-05 vs 0.00075), allowing no conclusion about variant significance. c.8090G>A has been reported in the literature in individuals affected with Hereditary Breast And Ovarian Cancer Syndrome. These reports do not provide unequivocal conclusions about association of the variant with Hereditary Breast And Ovarian Cancer Syndrome. Co-occurrences with one pathogenic variant have been reported in multiple individuals (BRCA2 c.1800T>G, p.Tyr600Ter, BIC and UMD databases; BRCA1, c.2138C>G, p.Ser713Ter, internal database), providing supporting evidence for a benign role. To our knowledge, no experimental evidence demonstrating an impact on protein function has been reported. Ten clinical diagnostic laboratories have submitted clinical-significance assessments for this variant to ClinVar after 2014 without evidence for independent evaluation. Multiple laboratories reported the variant with conflicting assessments (benign/likely benign n=7, VUS n=3). Based on the evidence outlined above, the variant was classified as benign.

Institute for Clinical Genetics, University Hospital TU Dresden, University Hospital TU Dresden
Classification: Uncertain significance. Last evaluated: 2021-11-03. Review status: criteria provided, single submitter. Criteria: ACMG Guidelines, 2015. Collection method: clinical testing. Allele origin: germline.

GeneDx
Classification: Likely benign. Last evaluated: 2021-06-21. Review status: criteria provided, single submitter. Criteria: GeneDx Variant Classification Process June 2021. Collection method: clinical testing. Allele origin: germline. Affected: yes.
Comment: This variant is associated with the following publications: (PMID: 26689913, 28111427, 19043619, 25111659, 20104584, 28324225, 25348012, 20167696, 32444794, 29884841, 27535533, 12228710, 31131967)

Ambry Genetics
Classification: Benign for Hereditary cancer-predisposing syndrome. Last evaluated: 2020-02-29. Review status: criteria provided, single submitter. Criteria: Ambry Variant Classification Scheme 2023. Collection method: clinical testing. Allele origin: germline.

Genetic Services Laboratory, University of Chicago
Classification: Likely benign. Last evaluated: 2019-08-30. Review status: criteria provided, single submitter. Criteria: ACMG Guidelines, 2015. Collection method: clinical testing. Allele origin: germline. Affected: no.

CHEO Genetics Diagnostic Laboratory, Children's Hospital of Eastern Ontario
Classification: Uncertain significance for Breast and/or ovarian cancer. Last evaluated: 2019-07-15. Review status: criteria provided, single submitter. Criteria: ACMG Guidelines, 2015. Collection method: clinical testing. Allele origin: germline.

Molecular Genetics Laboratory, University of Michigan
Classification: Benign for Breast-ovarian cancer, familial, susceptibility to, 2. Last evaluated: 2016-04-21. Review status: criteria provided, single submitter. Criteria: ACMG Guidelines, 2015. Collection method: clinical testing. Allele origin: germline. Affected: yes.

Color Diagnostics, LLC DBA Color Health
Classification: Benign for Hereditary cancer-predisposing syndrome. Last evaluated: 2016-01-22. Review status: criteria provided, single submitter. Criteria: ACMG Guidelines, 2015. Collection method: clinical testing. Allele origin: germline.

Counsyl
Classification: Uncertain significance for Breast-ovarian cancer, familial, susceptibility to, 2. Last evaluated: 2017-02-07. Review status: no assertion criteria provided. Collection method: clinical testing. Allele origin: unknown. Not counted in ClinVar's aggregate classification.

Sharing Clinical Reports Project (SCRP)
Classification: Benign for Breast-ovarian cancer, familial 2. Last evaluated: 2012-05-01. Review status: no assertion criteria provided. Collection method: clinical testing. Allele origin: germline. Not counted in ClinVar's aggregate classification.

Breast Cancer Information Core (BIC) (BRCA2)
Classification: Uncertain significance for Breast-ovarian cancer, familial 2. Last evaluated: 2004-02-20. Review status: no assertion criteria provided. Collection method: clinical testing. Allele origin: germline. Affected: yes. Observed: 7 variant alleles. Not counted in ClinVar's aggregate classification.

Center for Precision Medicine, Meizhou People's Hospital
Classification: Likely benign for Familial cancer of breast. Review status: no assertion criteria provided. Collection method: literature only. Allele origin: germline. Affected: yes. Not counted in ClinVar's aggregate classification.

Clinical Genetics DNA and cytogenetics Diagnostics Lab, Erasmus MC, Erasmus Medical Center
Classification: Likely benign. Review status: no assertion criteria provided. Collection method: clinical testing. Allele origin: germline. Affected: yes. Study: VKGL Data-share Consensus. Not counted in ClinVar's aggregate classification.

Clinical Genetics Laboratory, Department of Pathology, Netherlands Cancer Institute
Classification: Likely benign. Review status: no assertion criteria provided. Collection method: clinical testing. Allele origin: germline. Affected: yes. Study: VKGL Data-share Consensus. Not counted in ClinVar's aggregate classification.

Joint Genome Diagnostic Labs from Nijmegen and Maastricht, Radboudumc and MUMC+
Classification: Likely benign. Review status: no assertion criteria provided. Collection method: clinical testing. Allele origin: germline. Affected: yes. Study: VKGL Data-share Consensus. Not counted in ClinVar's aggregate classification.

Literature cited by the submitters: PubMed 26689913 (cited by 4 submitters); PubMed 28111427 (cited by 3 submitters); PubMed 28324225 (cited by 3 submitters); PubMed 19043619 (cited by 3 submitters); PubMed 20104584 (cited by 4 submitters); PubMed 33471991 (cited by Quest Diagnostics Nichols Institute San Juan Capistrano); PubMed 32467295 (cited by Quest Diagnostics Nichols Institute San Juan Capistrano); PubMed 35736817 (cited by Quest Diagnostics Nichols Institute San Juan Capistrano); PubMed 32444794 (cited by Quest Diagnostics Nichols Institute San Juan Capistrano); PubMed 36243179 (cited by Quest Diagnostics Nichols Institute San Juan Capistrano); PubMed 35918668 (cited by Quest Diagnostics Nichols Institute San Juan Capistrano); PubMed 25111659 (cited by 3 submitters); PubMed 21520273 (cited by Women's Health and Genetics/Laboratory Corporation of America, LabCorp); PubMed 25348012 (cited by Women's Health and Genetics/Laboratory Corporation of America, LabCorp and Counsyl); PubMed 20167696 (cited by Counsyl).

NM_000059.4(BRCA2):c.8090G>A (p.Ser2697Asn)

Gene: BRCA2 (BRCA2 DNA repair associated; plus strand). Cytogenetic location: 13q13.1.
Variant type: single nucleotide variant.
Coding change: c.8090G>A on transcript NM_000059.4 (MANE Select); coding-DNA position 8090, G replaced by A.
Protein change: p.Ser2697Asn; replaces serine 2697 with asparagine.
Molecular consequence: missense variant.
Genome position (GRCh38, 1-based): chr13:32,363,292, G>A. VCF-style: chr13-32363292-G-A. GRCh37 (hg19) VCF-style: chr13-32937429-G-A.
Other names: p.S2697N:AGC>AAC; 8318G>A; short protein forms S2697N.
Identifiers: ClinVar variation 52503 (VCV000052503.74), dbSNP rs80359051, ClinGen allele CA025449.
Genomic context (GRCh38, chr13:32,363,292, plus strand): 5'-AAAGGGATGACACAGCTGCAAAAACACTTGTTCTCTGTGTTTCTGACATAATTTCATTGA[G>A]CGCAAATATATCTGAAACTTCTAGCAATAAAACTAGTAGTGCAGATACCCAAAAAGTGGC-3'
Protein context (NP_000050.3, residues 2687-2707): VLCVSDIISL[Ser2697Asn]ANISETSSNK